The following is an entry in ClinVar:

NM_005477.3(HCN4):c.1727C>T (p.Pro576Leu)

Gene: HCN4 (hyperpolarization activated cyclic nucleotide gated potassium channel 4; minus strand). Cytogenetic location: 15q24.1.
Variant type: single nucleotide variant.
Coding change: c.1727C>T on transcript NM_005477.3 (MANE Select); coding-DNA position 1727, C replaced by T.
Protein change: p.Pro576Leu; replaces proline 576 with leucine.
Molecular consequence: missense variant.
Genome position (GRCh38, 1-based): chr15:73,325,308, G>A on the plus strand (C>T on the coding strand, the complement: HCN4 is on the minus strand). VCF-style: chr15-73325308-G-A. GRCh37 (hg19) VCF-style: chr15-73617649-G-A.
Other names: short protein forms P576L.
Identifiers: ClinVar variation 4820540 (VCV004820540.1).

ClinVar aggregate classification (germline): Uncertain significance (1 of 4 stars; one submission).

Conditions:
Cardiovascular phenotype. Identifiers: MedGen CN230736.

Submission:

Molecular Diagnostic Laboratory for Inherited Cardiovascular Disease, Montreal Heart Institute
Classification: Uncertain significance for Cardiovascular phenotype. Last evaluated: 2026-03-27. Review status: criteria provided, single submitter. Criteria: ACMG Guidelines, 2015. Collection method: clinical testing. Allele origin: germline. Affected: yes.
Comment: PM2, PP3